The following is an entry in ClinVar:

NM_002769.5(PRSS1):c.353T>A (p.Val118Glu)

Genes: TRB (T cell receptor beta locus; plus strand), PRSS1 (serine protease 1; plus strand). Cytogenetic location: 7q34.
Variant type: single nucleotide variant.
Coding change: c.353T>A on transcript NM_002769.5 (MANE Select); coding-DNA position 353, T replaced by A.
Protein change: p.Val118Glu; replaces valine 118 with glutamic acid.
Molecular consequence: missense variant. On other transcripts: non-coding transcript variant (5).
Genome position (GRCh38, 1-based): chr7:142,751,926, T>A. VCF-style: chr7-142751926-T-A. GRCh37 (hg19) VCF-style: chr7-142459777-T-A.
Other names: short protein forms V118E.
Identifiers: ClinVar variation 1732452 (VCV001732452.3), dbSNP rs753618826, ClinGen allele CA4529932.

ClinVar aggregate classification (germline): Uncertain significance (1 of 4 stars; one submission).

Conditions:
Hereditary pancreatitis (PCTT). Also called: Hereditary chronic pancreatitis; PRSS1-Related Hereditary Pancreatitis. Identifiers: Orphanet 676, MedGen C0238339, MONDO:0008185, OMIM 167800.

Submission:

Ambry Genetics
Classification: Uncertain significance for Hereditary pancreatitis. Last evaluated: 2025-06-14. Review status: criteria provided, single submitter. Criteria: Ambry Variant Classification Scheme 2023. Collection method: clinical testing. Allele origin: germline.
Comment: The p.V118E variant (also known as c.353T>A), located in coding exon 3 of the PRSS1 gene, results from a T to A substitution at nucleotide position 353. The valine at codon 118 is replaced by glutamic acid, an amino acid with dissimilar properties. This amino acid position is conserved. In addition, this alteration is predicted to be tolerated by in silico analysis. Since supporting evidence is limited at this time, the clinical significance of this alteration remains unclear.